The following is an entry in ClinVar:

ClinVar aggregate classification (germline): Benign/Likely benign. Review status: criteria provided, multiple submitters, no conflicts (2 of 4 stars). 9 submissions from 9 submitters: Benign (2); Likely benign (7). Last evaluated 2026-01-25.

Conditions:
COL5A1-related disorder. Also called: COL5A1-related condition.
Ehlers-Danlos syndrome (EDS). Identifiers: Orphanet 98249, MedGen C0013720, MONDO:0020066.
Familial thoracic aortic aneurysm and aortic dissection (TAAD). Also called: Thoracic aortic aneurysms and dissections. Identifiers: Orphanet 91387, MedGen C4707243, MONDO:0019625.
Ehlers-Danlos syndrome, classic type, 1 (EDSCL1). Also called: Ehlers-Danlos syndrome, type 1; EDS I; EHLERS-DANLOS SYNDROME, GRAVIS TYPE; EHLERS-DANLOS SYNDROME, SEVERE CLASSIC TYPE; Ehlers-Danlos Syndrome, Classic Type, COL5A1-Related. Identifiers: MedGen C0268335, MONDO:0019567, OMIM 130000.
Ehlers-Danlos syndrome, classic type (cEDS). Identifiers: Orphanet 287, MedGen C4225429, MONDO:0007522.

Allele frequency attached by ClinVar (database versions not stated): gnomAD exomes 0.00008 and 0.00045; gnomAD 0.00012 and 0.00015; TOPMed 0.00021; ExAC 0.00027; 1000 Genomes Project 30x 0.00094; 1000 Genomes Project 0.00100.
gnomAD v4.1: 140 of 1,614,182 alleles (0.0087%); highest among the groups gnomAD compares: East Asian, 0.2%; 2 homozygotes.

Submissions (9):

Labcorp Genetics (formerly Invitae), Labcorp
Classification: Likely benign for Ehlers-Danlos syndrome, classic type, 1. Last evaluated: 2026-01-25. Review status: criteria provided, single submitter. Criteria: Invitae Variant Classification Sherloc (09022015). Collection method: clinical testing. Allele origin: germline.

PreventionGenetics, part of Exact Sciences
Classification: Benign for COL5A1-related condition. Last evaluated: 2026-01-07. Review status: criteria provided, single submitter. Criteria: ACMG Guidelines, 2015. Collection method: clinical testing. Allele origin: germline.
Comment: This variant is classified as benign based on ACMG/AMP sequence variant interpretation guidelines (Richards et al. 2015 PMID: 25741868, with internal and published modifications).

Women's Health and Genetics/Laboratory Corporation of America, LabCorp
Classification: Likely benign. Last evaluated: 2025-01-28. Review status: criteria provided, single submitter. Criteria: LabCorp Variant Classification Summary - May 2015. Collection method: clinical testing. Allele origin: germline.

Blueprint Genetics
Classification: Likely benign. Last evaluated: 2023-05-09. Review status: criteria provided, single submitter. Criteria: ACMG Guidelines, 2015. Collection method: clinical testing. Allele origin: germline.

GeneDx
Classification: Likely benign. Last evaluated: 2020-03-25. Review status: criteria provided, single submitter. Criteria: GeneDx Variant Classification Process June 2021. Collection method: clinical testing. Allele origin: germline. Affected: yes.

Genome Diagnostics Laboratory, The Hospital for Sick Children
Classification: Likely benign for Ehlers-Danlos syndrome. Last evaluated: 2019-12-01. Review status: criteria provided, single submitter. Criteria: ACMG Guidelines, 2015. Collection method: clinical testing. Allele origin: germline.

Illumina Laboratory Services, Illumina
Classification: Benign for Ehlers-Danlos syndrome, classic type, 1. Last evaluated: 2018-01-12. Review status: criteria provided, single submitter. Criteria: ICSL Variant Classification Criteria 13 December 2019. Collection method: clinical testing. Allele origin: germline.
Comment: This variant was observed in the ICSL laboratory as part of a predisposition screen in an ostensibly healthy population. It had not been previously curated by ICSL or reported in the Human Gene Mutation Database (HGMD: prior to June 1st, 2018), and was therefore a candidate for classification through an automated scoring system. Utilizing variant allele frequency, disease prevalence and penetrance estimates, and inheritance mode, an automated score was calculated to assess if this variant is too frequent to cause the disease. Based on the score and internal cut-off values, a variant classified as benign is not then subjected to further curation. The score for this variant resulted in a classification of benign for this disease.

Ambry Genetics
Classification: Likely benign for Familial thoracic aortic aneurysm and aortic dissection. Last evaluated: 2017-12-18. Review status: criteria provided, single submitter. Criteria: Ambry Variant Classification Scheme 2023. Collection method: clinical testing. Allele origin: germline.

ARUP Laboratories, Molecular Genetics and Genomics, ARUP Laboratories
Classification: Likely benign. Last evaluated: 2017-01-08. Review status: criteria provided, single submitter. Criteria: ARUP Molecular Germline Variant Investigation Process. Collection method: clinical testing. Allele origin: germline.

NM_000093.5(COL5A1):c.850G>A (p.Glu284Lys)

Gene: COL5A1 (collagen type V alpha 1 chain; plus strand). Cytogenetic location: 9q34.3.
Variant type: single nucleotide variant.
Coding change: c.850G>A on transcript NM_000093.5 (MANE Select); coding-DNA position 850, G replaced by A.
Protein change: p.Glu284Lys; replaces glutamic acid 284 with lysine.
Molecular consequence: missense variant.
Genome position (GRCh38, 1-based): chr9:134,728,733, G>A. VCF-style: chr9-134728733-G-A. GRCh37 (hg19) VCF-style: chr9-137620579-G-A.
Other names: c.850G>A, p.Glu284Lys (NM_001278074.1); short protein forms E284K.
Identifiers: ClinVar variation 365709 (VCV000365709.33), dbSNP rs75648697, ClinGen allele CA5318556.
Genomic context (GRCh38, chr9:134,728,733, plus strand): 5'-ACGGAAGGAGACGGCGAGGGTGAGACCTATTACTACGAATACCCCTACTACGAAGACCCC[G>A]AAGACCTAGGGAAGGAGCCCACCCCCAGCAAGAAGCCCGTGGAAGCTGCCAAAGAAACCA-3'
Protein context (NP_000084.3, residues 274-294): YYEYPYYEDP[Glu284Lys]DLGKEPTPSK